The following is an entry in ClinVar:

NM_001037.5(SCN1B):c.254G>T (p.Arg85Leu)

Gene: SCN1B (sodium voltage-gated channel beta subunit 1; plus strand). Cytogenetic location: 19q13.11.
Variant type: single nucleotide variant.
Coding change: c.254G>T on transcript NM_001037.5 (MANE Select); coding-DNA position 254, G replaced by T.
Protein change: p.Arg85Leu; replaces arginine 85 with leucine.
Molecular consequence: missense variant.
Genome position (GRCh38, 1-based): chr19:35,033,545, G>T. VCF-style: chr19-35033545-G-T. GRCh37 (hg19) VCF-style: chr19-35524449-G-T.
Other names: c.254G>T (NM_001037.4); c.155G>T, p.Arg52Leu (NM_001321605.2); c.254G>T, p.Arg85Leu (NM_199037.5); short protein forms R52L, R85L.
Identifiers: ClinVar variation 3359082 (VCV003359082.4).

ClinVar aggregate classification (germline): Conflicting classifications of pathogenicity. Review status: criteria provided, conflicting classifications (1 of 4 stars). 2 submissions from 2 submitters: Likely pathogenic (1); Uncertain significance (1). Last evaluated 2024-07-15.

Conditions:
Generalized epilepsy with febrile seizures plus, type 1 (GEFSP1). Also called: GEFS+, TYPE 1. Identifiers: Orphanet 36387, MedGen C1858672, MONDO:0011416, OMIM 604233.

Submissions (2):

Institute of Human Genetics, University of Leipzig Medical Center
Classification: Likely pathogenic for Generalized epilepsy with febrile seizures plus, type 1. Last evaluated: 2024-07-15. Review status: criteria provided, single submitter. Criteria: ACMG Guidelines, 2015. Collection method: clinical testing. Allele origin: paternal. Inheritance: Autosomal dominant inheritance. Affected: yes.
Comment: Criteria applied: PM5_STR,PM2,PP3

GeneDx
Classification: Uncertain significance. Last evaluated: 2024-02-12. Review status: criteria provided, single submitter. Criteria: GeneDx Variant Classification Process June 2021. Collection method: clinical testing. Allele origin: germline. Affected: yes.
Comment: Has not been previously published as pathogenic or benign to our knowledge; Not observed at significant frequency in large population cohorts (gnomAD); In silico analysis supports that this missense variant has a deleterious effect on protein structure/function